The following is an entry in ClinVar:

ClinVar aggregate classification (germline): Likely benign (0 of 4 stars; one submission).

Conditions:
GPNMB-related disorder. Also called: GPNMB-related condition.

Allele frequency attached by ClinVar (database versions not stated): ExAC 0.00007; TOPMed 0.00013; ESP Exome Variant Server 0.00015; gnomAD 0.00016.
gnomAD v4.1: 74 of 1,612,012 alleles (0.0046%); highest among the groups gnomAD compares: African/African-American, 0.044%; no homozygotes.

Submission:

PreventionGenetics, part of Exact Sciences
Classification: Likely benign for GPNMB-related condition. Last evaluated: 2019-08-28. Review status: no assertion criteria provided. Collection method: clinical testing. Allele origin: germline.
Comment: This variant is classified as likely benign based on ACMG/AMP sequence variant interpretation guidelines (Richards et al. 2015 PMID: 25741868, with internal and published modifications).

NM_002510.3(GPNMB):c.1221-5C>T

Gene: GPNMB (glycoprotein nmb; plus strand). Cytogenetic location: 7p15.3.
Variant type: single nucleotide variant.
Coding change: c.1221-5C>T on transcript NM_002510.3 (MANE Select); 5 bases into the intron before coding-DNA position 1221, C replaced by T.
Molecular consequence: intron variant.
Genome position (GRCh38, 1-based): chr7:23,269,962, C>T. VCF-style: chr7-23269962-C-T. GRCh37 (hg19) VCF-style: chr7-23309581-C-T.
Other names: c.1257-5C>T (NM_001005340.2).
Identifiers: ClinVar variation 3053853 (VCV003053853.2), dbSNP rs372382046, ClinGen allele CA4187696.